The following is an entry in ClinVar:

NM_006218.4(PIK3CA):c.835C>T (p.Leu279Phe)

Gene: PIK3CA (phosphatidylinositol-4,5-bisphosphate 3-kinase catalytic subunit alpha; plus strand). Cytogenetic location: 3q26.32.
Variant type: single nucleotide variant.
Coding change: c.835C>T on transcript NM_006218.4 (MANE Select); coding-DNA position 835, C replaced by T.
Protein change: p.Leu279Phe; replaces leucine 279 with phenylalanine.
Molecular consequence: missense variant.
Genome position (GRCh38, 1-based): chr3:179,203,565, C>T. VCF-style: chr3-179203565-C-T. GRCh37 (hg19) VCF-style: chr3-178921353-C-T.
Other names: short protein forms L279F.
Identifiers: ClinVar variation 1392894 (VCV001392894.10), dbSNP rs1260908401, ClinGen allele CA355279751.

ClinVar aggregate classification (germline): Uncertain significance. Review status: criteria provided, multiple submitters, no conflicts (2 of 4 stars). 2 submissions from 2 submitters: Uncertain significance (2). Last evaluated 2023-02-09.

Conditions:
Cowden syndrome (CS). Also called: Cowden's disease; Cowden's syndrome; Cowden disease. Identifiers: Orphanet 201, MedGen C0018553, MONDO:0016063. Disease mechanism: gain of function.
Inborn genetic diseases. Identifiers: MedGen C0950123, MeSH D030342.

Allele frequency attached by ClinVar (database versions not stated): TOPMed below 0.00001; gnomAD exomes below 0.00001.
gnomAD v4.1: 3 of 1,613,784 alleles (0.00019%); highest among the groups gnomAD compares: Non-Finnish European, 0.00025%; no homozygotes.

Submissions (2):

Labcorp Genetics (formerly Invitae), Labcorp
Classification: Uncertain significance for Cowden syndrome. Last evaluated: 2023-02-09. Review status: criteria provided, single submitter. Criteria: Invitae Variant Classification Sherloc (09022015). Collection method: clinical testing. Allele origin: germline.
Comment: This sequence change replaces leucine, which is neutral and non-polar, with phenylalanine, which is neutral and non-polar, at codon 279 of the PIK3CA protein (p.Leu279Phe). This variant is present in population databases (no rsID available, gnomAD 0.0009%). This variant has not been reported in the literature in individuals affected with PIK3CA-related conditions. ClinVar contains an entry for this variant (Variation ID: 1392894). Algorithms developed to predict the effect of missense changes on protein structure and function (SIFT, PolyPhen-2, Align-GVGD) all suggest that this variant is likely to be tolerated. In summary, the available evidence is currently insufficient to determine the role of this variant in disease. Therefore, it has been classified as a Variant of Uncertain Significance.

Ambry Genetics
Classification: Uncertain significance for Inborn genetic diseases. Last evaluated: 2021-08-04. Review status: criteria provided, single submitter. Criteria: Ambry Variant Classification Scheme 2023. Collection method: clinical testing. Allele origin: germline.
Comment: The p.L279F variant (also known as c.835C>T), located in coding exon 4 of the PIK3CA gene, results from a C to T substitution at nucleotide position 835. The leucine at codon 279 is replaced by phenylalanine, an amino acid with highly similar properties. This amino acid position is conserved. In addition, this alteration is predicted to be tolerated by in silico analysis. Since supporting evidence is limited at this time, the clinical significance of this alteration remains unclear.